The following is an entry in ClinVar:

ClinVar aggregate classification (germline): Conflicting classifications of pathogenicity. Review status: criteria provided, conflicting classifications (1 of 4 stars). 6 submissions from 6 submitters: Uncertain significance (2); Benign (1); Likely benign (3). Last evaluated 2026-06-26.

Conditions:
KIF7-related disorder. Also called: KIF7-related condition.
Inborn genetic diseases. Identifiers: MedGen C0950123, MeSH D030342.
Acrocallosal syndrome (ACLS). Also called: HALLUX DUPLICATION, POSTAXIAL POLYDACTYLY, AND ABSENCE OF CORPUS CALLOSUM; Schinzel syndrome 1; Absence of corpus callosum with unusual facial appearance, mental deficiency, duplication of the halluces and polydactyly. Identifiers: Orphanet 36, MedGen C0796147, MONDO:0008708, OMIM 200990.

Allele frequency attached by ClinVar (database versions not stated): gnomAD exomes 0.00028 and 0.00011; gnomAD 0.00033 and 0.00035; 1000 Genomes Project 30x 0.00016; 1000 Genomes Project 0.00020; TOPMed 0.00020; ESP Exome Variant Server 0.00023; ExAC 0.00024.
gnomAD v4.1: 225 of 1,613,268 alleles (0.014%); highest among the groups gnomAD compares: Admixed American, 0.073%; no homozygotes.

Submissions (6):

PreventionGenetics, part of Exact Sciences
Classification: Likely benign for KIF7-related condition. Last evaluated: 2026-06-26. Review status: criteria provided, single submitter. Criteria: ACMG Guidelines, 2015. Collection method: clinical testing. Allele origin: germline.
Comment: This variant is classified as likely benign based on ACMG/AMP sequence variant interpretation guidelines (Richards et al. 2015 PMID: 25741868, with internal and published modifications).

Labcorp Genetics (formerly Invitae), Labcorp
Classification: Likely benign for Acrocallosal syndrome. Last evaluated: 2025-09-21. Review status: criteria provided, single submitter. Criteria: Invitae Variant Classification Sherloc (09022015). Collection method: clinical testing. Allele origin: germline.

Blueprint Genetics
Classification: Benign. Last evaluated: 2023-12-05. Review status: criteria provided, single submitter. Criteria: ACMG Guidelines, 2015. Collection method: clinical testing. Allele origin: germline.

Ambry Genetics
Classification: Likely benign for Inborn genetic diseases. Last evaluated: 2022-05-25. Review status: criteria provided, single submitter. Criteria: Ambry Variant Classification Scheme 2023. Collection method: clinical testing. Allele origin: germline.

Illumina Laboratory Services, Illumina
Classification: Uncertain significance for Acrocallosal syndrome. Last evaluated: 2018-01-13. Review status: criteria provided, single submitter. Criteria: ICSL Variant Classification Criteria 13 December 2019. Collection method: clinical testing. Allele origin: germline.

Eurofins Ntd Llc (ga)
Classification: Uncertain significance. Last evaluated: 2014-08-19. Review status: criteria provided, single submitter. Criteria: EGL Classification Definitions 2015. Collection method: clinical testing. Allele origin: germline. Observed: 1 variant allele, 1 heterozygote.

NM_198525.3(KIF7):c.3914G>A (p.Arg1305Gln)

Gene: KIF7 (kinesin family member 7; minus strand). Cytogenetic location: 15q26.1.
Variant type: single nucleotide variant.
Coding change: c.3914G>A on transcript NM_198525.3 (MANE Select); coding-DNA position 3914, G replaced by A.
Protein change: p.Arg1305Gln; replaces arginine 1305 with glutamine.
Molecular consequence: missense variant.
Genome position (GRCh38, 1-based): chr15:89,628,537, C>T on the plus strand (G>A on the coding strand, the complement: KIF7 is on the minus strand). VCF-style: chr15-89628537-C-T. GRCh37 (hg19) VCF-style: chr15-90171768-C-T.
Other names: short protein forms R1305Q.
Identifiers: ClinVar variation 194998 (VCV000194998.22), dbSNP rs138993311, ClinGen allele CA020385.
Genomic context (GRCh38, chr15:89,628,537, plus strand): 5'-CGGGGCTTGGACAAAGGCCCAAAGTTCCAGGGCAGGCCTGCCTCACCCACAGGAAGCACC[C>T]GCCCCACCAGGGGCTCAGCCGCCTCCCGCTGCCTCAGTTCCTCGGGGGACCCCTGCTCCT-3'
Protein context (NP_940927.2, residues 1295-1315): QREAAEPLVG[Arg1305Gln]VLPVGEAGLP